The following is an entry in ClinVar:

ClinVar aggregate classification (germline): Uncertain significance (1 of 4 stars; one submission).

Conditions:
Inborn genetic diseases. Identifiers: MedGen C0950123, MeSH D030342.

gnomAD v4.1: 1 of 1,613,434 alleles (0.000062%); no homozygotes.

Submission:

Ambry Genetics
Classification: Uncertain significance for Inborn genetic diseases. Last evaluated: 2026-04-12. Review status: criteria provided, single submitter. Criteria: Ambry Variant Classification Scheme 2023. Collection method: clinical testing. Allele origin: germline.
Comment: The p.L600V variant (also known as c.1798T>G), located in coding exon 12 of the ERCC6L2 gene, results from a T to G substitution at nucleotide position 1798. The leucine at codon 600 is replaced by valine, an amino acid with highly similar properties. This amino acid position is conserved. In addition, this alteration is predicted to be tolerated by in silico analysis. Based on the available evidence, the clinical significance of this variant remains unclear.

NM_020207.7(ERCC6L2):c.1798T>G (p.Leu600Val)

Gene: ERCC6L2 (ERCC excision repair 6 like 2; plus strand). Cytogenetic location: 9q22.32.
Variant type: single nucleotide variant.
Coding change: c.1798T>G on transcript NM_020207.7 (MANE Select); coding-DNA position 1798, T replaced by G.
Protein change: p.Leu600Val; replaces leucine 600 with valine.
Molecular consequence: missense variant. On other transcripts: non-coding transcript variant (1).
Genome position (GRCh38, 1-based): chr9:95,941,500, T>G. VCF-style: chr9-95941500-T-G. GRCh37 (hg19) VCF-style: chr9-98703782-T-G.
Other names: c.1798T>G, p.Leu600Val (NM_001010895.4, NM_001375291.1, NM_001375292.1 and 2 more transcripts); short protein forms L600V.
Identifiers: ClinVar variation 4870587 (VCV004870587.1).